The following is an entry in ClinVar:

ClinVar aggregate classification (germline): Uncertain significance. Review status: criteria provided, multiple submitters, no conflicts (2 of 4 stars). 3 submissions from 3 submitters: Uncertain significance (3). Last evaluated 2023-06-27.

Conditions:
Autosomal dominant hypocalcemia 1 (HYPOC1). Also called: HYPOCALCEMIA, FAMILIAL. Identifiers: MedGen C3715128, MONDO:0011013, OMIM 601198.
Familial hypocalciuric hypercalcemia (FHH). Also called: Familial benign hypercalcemia. Identifiers: Orphanet 405, MedGen C1809471, MONDO:0018458.
Nephrolithiasis/nephrocalcinosis. Identifiers: MedGen CN580796.

Allele frequency attached by ClinVar (database versions not stated): gnomAD exomes below 0.00001.
gnomAD v4.1: 2 of 1,614,218 alleles (0.00012%); highest among the groups gnomAD compares: South Asian, 0.0011%; no homozygotes.

Submissions (3):

Ambry Genetics
Classification: Uncertain significance for Nephrolithiasis/nephrocalcinosis. Last evaluated: 2023-06-27. Review status: criteria provided, single submitter. Criteria: Ambry Variant Classification Scheme 2023. Collection method: clinical testing. Allele origin: germline.
Comment: The p.G315D variant (also known as c.944G>A), located in coding exon 3 of the CASR gene, results from a G to A substitution at nucleotide position 944. The glycine at codon 315 is replaced by aspartic acid, an amino acid with similar properties. This amino acid position is well conserved in available vertebrate species. In addition, this alteration is predicted to be deleterious by in silico analysis. Since supporting evidence is limited at this time, the clinical significance of this alteration remains unclear.

Labcorp Genetics (formerly Invitae), Labcorp
Classification: Uncertain significance for Familial hypocalciuric hypercalcemia; Autosomal dominant hypocalcemia 1. Last evaluated: 2023-05-10. Review status: criteria provided, single submitter. Criteria: Invitae Variant Classification Sherloc (09022015). Collection method: clinical testing. Allele origin: germline.
Comment: In summary, the available evidence is currently insufficient to determine the role of this variant in disease. Therefore, it has been classified as a Variant of Uncertain Significance. An algorithm developed to predict the effect of missense changes on protein structure and function (PolyPhen-2) suggests that this variant is likely to be disruptive. ClinVar contains an entry for this variant (Variation ID: 463961). This variant has not been reported in the literature in individuals affected with CASR-related conditions. This variant is present in population databases (no rsID available, gnomAD 0.003%). This sequence change replaces glycine, which is neutral and non-polar, with aspartic acid, which is acidic and polar, at codon 315 of the CASR protein (p.Gly315Asp).

Blueprint Genetics
Classification: Uncertain significance. Last evaluated: 2021-10-12. Review status: criteria provided, single submitter. Criteria: ACMG Guidelines, 2015. Collection method: clinical testing. Allele origin: germline.

NM_000388.4(CASR):c.944G>A (p.Gly315Asp)

Gene: CASR (calcium sensing receptor; plus strand). Cytogenetic location: 3q21.1.
Variant type: single nucleotide variant.
Coding change: c.944G>A on transcript NM_000388.4 (MANE Select); coding-DNA position 944, G replaced by A.
Protein change: p.Gly315Asp; replaces glycine 315 with aspartic acid.
Molecular consequence: missense variant.
Genome position (GRCh38, 1-based): chr3:122,261,979, G>A. VCF-style: chr3-122261979-G-A. GRCh37 (hg19) VCF-style: chr3-121980826-G-A.
Other names: c.944G>A, p.Gly315Asp (NM_001178065.2); short protein forms G315D.
Identifiers: ClinVar variation 463961 (VCV000463961.13), dbSNP rs1389231880, ClinGen allele CA354151705.